The following is an entry in ClinVar:

ClinVar aggregate classification (germline): Pathogenic (1 of 4 stars; one submission).

Conditions:
Deficiency of 3-hydroxyacyl-CoA dehydrogenase. Also called: HADH DEFICIENCY; 3-hydroxyacyl-CoA dehydrogenase deficiency. Identifiers: Orphanet 309127, Orphanet 71212, MedGen C1291230, MONDO:0017715, OMIM 231530.

Submission:

Labcorp Genetics (formerly Invitae), Labcorp
Classification: Pathogenic for Deficiency of 3-hydroxyacyl-CoA dehydrogenase. Last evaluated: 2023-05-26. Review status: criteria provided, single submitter. Criteria: Invitae Variant Classification Sherloc (09022015). Collection method: clinical testing. Allele origin: germline.
Comment: For these reasons, this variant has been classified as Pathogenic. Algorithms developed to predict the effect of sequence changes on RNA splicing suggest that this variant may disrupt the consensus splice site. This variant has not been reported in the literature in individuals affected with HADH-related conditions. This variant is not present in population databases (gnomAD no frequency). This sequence change creates a premature translational stop signal (p.Phe172Leufs*7) in the HADH gene. It is expected to result in an absent or disrupted protein product. Loss-of-function variants in HADH are known to be pathogenic (PMID: 8825408).

Literature cited by the submitters: PubMed 8825408.

NM_005327.7(HADH):c.516del (p.Phe172fs)

Gene: HADH (hydroxyacyl-CoA dehydrogenase; plus strand). Cytogenetic location: 4q25.
Variant type: Deletion.
Coding change: c.516del on transcript NM_005327.7 (MANE Select); coding-DNA position 516, one base deleted (C; older notation c.516delC).
Protein change: p.Phe172fs; shifts the reading frame from phenylalanine 172.
Molecular consequence: frameshift variant.
Genome position (GRCh38, 1-based): chr4:108,019,636, C deleted. VCF-style (leftmost placement, unchanged base first): chr4-108019635-TC-T. GRCh37 (hg19) VCF-style: chr4-108940791-TC-T.
Other names: c.516del, p.Phe172fs (NM_001184705.4); c.528del, p.Phe176fs (NM_001331027.2); short protein forms F176fs, F172fs.
Identifiers: ClinVar variation 2726575 (VCV002726575.3), dbSNP rs2477238123, ClinGen allele CA2697546866.